The following is an entry in ClinVar:

ClinVar aggregate classification (germline): Uncertain significance (1 of 4 stars; one submission).

Conditions:
Polycystic kidney disease, adult type (PKD1). Also called: Polycystic Kidney Disease 1, Autosomal Dominant; Polycystic kidney disease 1; Polycystic kidney disease 1, severe; Polycystic Kidney, Autosomal Dominant; POLYCYSTIC KIDNEY DISEASE 1 WITH OR WITHOUT POLYCYSTIC LIVER DISEASE; POLYCYSTIC KIDNEY DISEASE, ADULT, TYPE I. Identifiers: MedGen C3149841, MONDO:0008263, OMIM 173900.

Submission:

Arkana Molecular Diagnostic Laboratory, Arkana Laboratories
Classification: Uncertain significance for Polycystic kidney disease, adult type. Last evaluated: 2020-03-23. Review status: criteria provided, single submitter. Criteria: ACMG Guidelines, 2015. Collection method: clinical testing. Allele origin: inherited. Affected: yes. Observed: 1 variant allele.
Comment: Variant listed in Mayo PKD1 database as "highly likely pathogenic" without assertion criteria; NGS of Sage-HLS-CAPTURE enriched PKD1 with Sanger sequencing confirmation; GRCh38.

NM_001009944.3(PKD1):c.7796T>G (p.Leu2599Arg)

Gene: PKD1 (polycystin 1, transient receptor potential channel interacting; minus strand). Cytogenetic location: 16p13.3.
Variant type: single nucleotide variant.
Coding change: c.7796T>G on transcript NM_001009944.3 (MANE Select); coding-DNA position 7796, T replaced by G.
Protein change: p.Leu2599Arg; replaces leucine 2599 with arginine.
Molecular consequence: missense variant.
Genome position (GRCh38, 1-based): chr16:2,105,932, A>C on the plus strand (T>G on the coding strand, the complement: PKD1 is on the minus strand). VCF-style: chr16-2105932-A-C. GRCh37 (hg19) VCF-style: chr16-2155933-A-C.
Other names: c.7796T>G, p.Leu2599Arg (NM_000296.4); short protein forms L2599R.
Identifiers: ClinVar variation 977518 (VCV000977518.1), dbSNP rs2092321685, ClinGen allele CA394367841.
Genomic context (GRCh38, chr16:2,105,932, plus strand): 5'-AGCACGGTGACCAGGGCCAACGAGTACTCGATGACGTGCTGGGGATCGGCCTGCCGCAGC[A>C]GCCCTGGGAGCACACTAGCGGTGAGCCCGTGCAGCCAGACTGTGAGCCCCGTTGCGCTGC-3'
Protein context (NP_001009944.3, residues 2589-2609): HGLTASVLPG[Leu2599Arg]LRQADPQHVI